The following is an entry in ClinVar:

ClinVar aggregate classification (germline): Uncertain significance (1 of 4 stars; one submission).

Conditions:
Mitochondrial hypertrophic cardiomyopathy with lactic acidosis due to MTO1 deficiency. Also called: Combined oxidative phosphorylation deficiency 10; CARDIOMYOPATHY, INFANTILE HYPERTROPHIC MITOCHONDRIAL, AND LACTIC ACIDOSIS. Identifiers: Orphanet 314637, MedGen C4749921, MONDO:0013865, OMIM 614702.

Allele frequency attached by ClinVar (database versions not stated): ExAC 0.00001; gnomAD 0.00001; gnomAD exomes 0.00001.
gnomAD v4.1: 2 of 1,613,794 alleles (0.00012%); highest among the groups gnomAD compares: East Asian, 0.0045%; no homozygotes.

Submission:

Labcorp Genetics (formerly Invitae), Labcorp
Classification: Uncertain significance for Mitochondrial hypertrophic cardiomyopathy with lactic acidosis due to MTO1 deficiency. Last evaluated: 2016-09-30. Review status: criteria provided, single submitter. Criteria: Invitae Variant Classification Sherloc (09022015). Collection method: clinical testing. Allele origin: germline.
Comment: In summary, this variant is a rare missense change with uncertain impact on protein function. There is no indication that it causes disease, but the available evidence is currently insufficient to prove that conclusively. Therefore, it has been classified as a Variant of Uncertain Significance. Algorithms developed to predict the effect of missense changes on protein structure and function do not agree on the potential impact of this missense change (SIFT: "Tolerated"; PolyPhen-2: "Benign"; Align-GVGD: "Class C0"). This variant is present in population databases (rs772209676, ExAC 0.01%) but has not been reported in the literature in individuals with a MTO1-related disease. This sequence change replaces leucine with phenylalanine at codon 398 of the MTO1 protein (p.Leu398Phe). The leucine residue is moderately conserved and there is a small physicochemical difference between leucine and phenylalanine.

NM_012123.4(MTO1):c.1194G>T (p.Leu398Phe)

Gene: MTO1 (mitochondrial tRNA translation optimization 1; plus strand). Cytogenetic location: 6q13.
Variant type: single nucleotide variant.
Coding change: c.1194G>T on transcript NM_012123.4 (MANE Select); coding-DNA position 1194, G replaced by T.
Protein change: p.Leu398Phe; replaces leucine 398 with phenylalanine.
Molecular consequence: missense variant.
Genome position (GRCh38, 1-based): chr6:73,480,739, G>T. VCF-style: chr6-73480739-G-T. GRCh37 (hg19) VCF-style: chr6-74190462-G-T.
Other names: c.1194G>T, p.Leu398Phe (NM_001123226.2); c.1269G>T, p.Leu423Phe (NM_133645.3); short protein forms L398F, L423F.
Identifiers: ClinVar variation 408276 (VCV000408276.8), dbSNP rs772209676, ClinGen allele CA3889560.